The following is an entry in ClinVar:

NM_004100.5(EYA4):c.315C>T (p.Ser105=)

Genes: EYA4-AS2 (EYA4 antisense RNA 2; minus strand), EYA4 (EYA transcriptional coactivator and phosphatase 4; plus strand). Cytogenetic location: 6q23.2.
Variant type: single nucleotide variant.
Coding change: c.315C>T on transcript NM_004100.5 (MANE Select); coding-DNA position 315, C replaced by T.
Protein change: p.Ser105=; no amino-acid change (serine 105 retained).
Molecular consequence: synonymous variant. On other transcripts: intron variant (2).
Genome position (GRCh38, 1-based): chr6:133,456,593, C>T. VCF-style: chr6-133456593-C-T. GRCh37 (hg19) VCF-style: chr6-133777731-C-T.
Other names: c.315C>T, p.Ser105= (NM_001301013.2, NM_172105.4); c.246C>T, p.Ser82= (NM_001370458.1, NM_172103.4); c.209-4521C>T (NM_001370459.1, NM_001301012.2).
Identifiers: ClinVar variation 1728276 (VCV001728276.8), dbSNP rs754088992, ClinGen allele CA4008011.
Genomic context (GRCh38, chr6:133,456,593, plus strand): 5'-CATGTACTTATTCTTCTACGTAGTGTCTCTTCTTGCAGTCAAAACAGAGCCCTTGAACAG[C>T]AGTGAAACCACAGCCACGACTGGAGATGGAGCGCTTGACACTTTTACTGGGTCAGGTAAA-3'
Protein context (NP_004091.3, residues 95-115): LLAVKTEPLN[Ser105=]SETTATTGDG

ClinVar aggregate classification (germline): Conflicting classifications of pathogenicity. Review status: criteria provided, conflicting classifications (1 of 4 stars). 3 submissions from 3 submitters: Uncertain significance (1); Likely benign (2). Last evaluated 2023-05-23.

Conditions:
Cardiovascular phenotype. Identifiers: MedGen CN230736.
Dilated cardiomyopathy 1J (CMD1J). Also called: CARDIOMYOPATHY, DILATED, WITH SENSORINEURAL HEARING LOSS, AUTOSOMAL DOMINANT. Identifiers: Orphanet 217622, MedGen C1854368, MONDO:0011541, OMIM 605362.

Allele frequency attached by ClinVar (database versions not stated): gnomAD exomes below 0.00001; ExAC 0.00001.
gnomAD v4.1: 1 of 1,613,546 alleles (0.000062%); highest among the groups gnomAD compares: Non-Finnish European, 0.000085%; no homozygotes.

Submissions (3):

Women's Health and Genetics/Laboratory Corporation of America, LabCorp
Classification: Likely benign. Last evaluated: 2023-05-23. Review status: criteria provided, single submitter. Criteria: LabCorp Variant Classification Summary - May 2015. Collection method: clinical testing. Allele origin: germline.
Comment: Variant summary: EYA4 c.315C>T alters a conserved nucleotide resulting in a synonymous change. 4/4 computational tools predict no significant impact on normal splicing. However, these predictions have yet to be confirmed by functional studies. The variant allele was found at a frequency of 4e-06 in 251356 control chromosomes (gnomAD). The available data on variant occurrences in the general population are insufficient to allow any conclusion about variant significance. To our knowledge, no occurrence of c.315C>T in individuals affected with Dilated Cardiomyopathy and no experimental evidence demonstrating its impact on protein function have been reported. Two clinical diagnostic laboratories have submitted clinical-significance assessments for this variant to ClinVar after 2014, and classified it as likely benign (n=1) or uncertain significance (n=1). Based on the evidence outlined above, the variant was classified as likely benign.

Labcorp Genetics (formerly Invitae), Labcorp
Classification: Uncertain significance for Dilated cardiomyopathy 1J. Last evaluated: 2022-04-15. Review status: criteria provided, single submitter. Criteria: Invitae Variant Classification Sherloc (09022015). Collection method: clinical testing. Allele origin: germline.
Comment: In summary, the available evidence is currently insufficient to determine the role of this variant in disease. Therefore, it has been classified as a Variant of Uncertain Significance. Algorithms developed to predict the effect of sequence changes on RNA splicing suggest that this variant may disrupt the consensus splice site. This variant has not been reported in the literature in individuals affected with EYA4-related conditions. This variant is present in population databases (rs754088992, gnomAD 0.0009%). This sequence change affects codon 105 of the EYA4 mRNA. It is a 'silent' change, meaning that it does not change the encoded amino acid sequence of the EYA4 protein.

Ambry Genetics
Classification: Likely benign for Cardiovascular phenotype. Last evaluated: 2021-12-08. Review status: criteria provided, single submitter. Criteria: Ambry Variant Classification Scheme 2023. Collection method: clinical testing. Allele origin: germline.